The following is an entry in ClinVar:

NM_170707.4(LMNA):c.240C>T (p.Ala80=)

Gene: LMNA (lamin A/C; plus strand). Cytogenetic location: 1q22.
Variant type: single nucleotide variant.
Coding change: c.240C>T on transcript NM_170707.4 (MANE Select); coding-DNA position 240, C replaced by T.
Protein change: p.Ala80=; no amino-acid change (alanine 80 retained).
Molecular consequence: synonymous variant.
Genome position (GRCh38, 1-based): chr1:156,115,158, C>T. VCF-style: chr1-156115158-C-T. GRCh37 (hg19) VCF-style: chr1-156084949-C-T.
Other names: c.240C>T, p.Ala80= (NM_001282625.2, NM_001282626.2, NM_005572.4 and 1 more transcripts).
Identifiers: ClinVar variation 669089 (VCV000669089.10), dbSNP rs780194620, ClinGen allele CA052083.

ClinVar aggregate classification (germline): Likely benign. Review status: criteria provided, multiple submitters, no conflicts (2 of 4 stars). 4 submissions from 4 submitters: Likely benign (4). Last evaluated 2024-02-01.

Conditions:
Charcot-Marie-Tooth disease type 2. Also called: Charcot-Marie-Tooth type 2. Identifiers: Orphanet 64746, MedGen C0270914, MONDO:0018993.
Primary dilated cardiomyopathy (DCM). Also called: Dilated Cardiomyopathy. Identifiers: Orphanet 217604, MedGen C0007193, MeSH D002311, MONDO:0005021, HP:0001644. Inheritance: Various modes of inheritance.
Cardiovascular phenotype. Identifiers: MedGen CN230736.

Allele frequency attached by ClinVar (database versions not stated): gnomAD exomes 0.00001 and below 0.00001; gnomAD 0.00001; ExAC 0.00001; TOPMed 0.00002.

Submissions (4):

Ambry Genetics
Classification: Likely benign for Cardiovascular phenotype. Last evaluated: 2024-02-01. Review status: criteria provided, single submitter. Criteria: Ambry Variant Classification Scheme 2023. Collection method: clinical testing. Allele origin: germline.

All of Us Research Program, National Institutes of Health
Classification: Likely benign for Primary dilated cardiomyopathy. Last evaluated: 2023-06-26. Review status: criteria provided, single submitter. Criteria: ACMG Guidelines, 2015. Collection method: clinical testing. Allele origin: germline. Inheritance: Autosomal dominant inheritance. Observed: 1 variant allele, 1 heterozygote.
Comment: This study involves interpretation of variants in research participants for the purpose of population health screening. Participant phenotype was not available at the time of variant classification. Additional details can be found in publication PMID: 35346344, PMCID: PMC8962531

Labcorp Genetics (formerly Invitae), Labcorp
Classification: Likely benign for Charcot-Marie-Tooth disease type 2. Last evaluated: 2022-08-28. Review status: criteria provided, single submitter. Criteria: Invitae Variant Classification Sherloc (09022015). Collection method: clinical testing. Allele origin: germline.

GeneDx
Classification: Likely benign. Last evaluated: 2018-06-01. Review status: criteria provided, single submitter. Criteria: GeneDx Variant Classification (06012015). Collection method: clinical testing. Allele origin: germline. Affected: yes.
Comment: This variant is considered likely benign or benign based on one or more of the following criteria: it is a conservative change, it occurs at a poorly conserved position in the protein, it is predicted to be benign by multiple in silico algorithms, and/or has population frequency not consistent with disease.